The following is an entry in ClinVar:

NM_017849.4(TMEM127):c.335T>C (p.Leu112Pro)

Gene: TMEM127 (transmembrane protein 127; minus strand). Cytogenetic location: 2q11.2.
Variant type: single nucleotide variant.
Coding change: c.335T>C on transcript NM_017849.4 (MANE Select); coding-DNA position 335, T replaced by C.
Protein change: p.Leu112Pro; replaces leucine 112 with proline.
Molecular consequence: missense variant.
Genome position (GRCh38, 1-based): chr2:96,254,907, A>G on the plus strand (T>C on the coding strand, the complement: TMEM127 is on the minus strand). VCF-style: chr2-96254907-A-G. GRCh37 (hg19) VCF-style: chr2-96920645-A-G.
Other names: c.335T>C, p.Leu112Pro (NM_001193304.3); c.335T>C (NM_017849.3); short protein forms L112P.
Identifiers: ClinVar variation 1003684 (VCV001003684.7), dbSNP rs1684170958, ClinGen allele CA347653415.
Genomic context (GRCh38, chr2:96,254,907, plus strand): 5'-GCGAAGGCATAGCGACGAGTGATCTTCAGAGCAGGATGCTTCGGCCCAAAGACATCCAGA[A>G]GGAAAGCGGAGAGACTACACAGGATGCCCAGGAAACAGAAGGCGGCGATGACCCGCAGGA-3'
Protein context (NP_060319.1, residues 102-122): LGILCSLSAF[Leu112Pro]LDVFGPKHPA

ClinVar aggregate classification (germline): Uncertain significance. Review status: criteria provided, multiple submitters, no conflicts (2 of 4 stars). 2 submissions from 2 submitters: Uncertain significance (2). Last evaluated 2026-01-11.

Conditions:
Hereditary pheochromocytoma and paraganglioma. Also called: Hereditary pheochromocytoma-paraganglioma; Hereditary Paraganglioma-Pheochromocytoma Syndromes; Hereditary paragangliomas and pheochromocytomas. Identifiers: Orphanet 29072, MedGen C4274332, MONDO:0017366.
Hereditary cancer-predisposing syndrome. Also called: Hereditary neoplastic syndrome; Hereditary Cancer Syndrome; Tumor predisposition; Neoplastic Syndromes, Hereditary. Identifiers: Orphanet 140162, MedGen C0027672, MeSH D009386, MONDO:0015356.

Submissions (2):

Ambry Genetics
Classification: Uncertain significance for Hereditary cancer-predisposing syndrome. Last evaluated: 2026-01-11. Review status: criteria provided, single submitter. Criteria: Ambry Variant Classification Scheme 2023. Collection method: clinical testing. Allele origin: germline.
Comment: The p.L112P variant (also known as c.335T>C), located in coding exon 2 of the TMEM127 gene, results from a T to C substitution at nucleotide position 335. The leucine at codon 112 is replaced by proline, an amino acid with similar properties. This amino acid position is conserved. In addition, this alteration is predicted to be deleterious by in silico analysis. Based on the available evidence, the clinical significance of this variant remains unclear.

Labcorp Genetics (formerly Invitae), Labcorp
Classification: Uncertain significance for Hereditary pheochromocytoma and paraganglioma. Last evaluated: 2023-06-05. Review status: criteria provided, single submitter. Criteria: Invitae Variant Classification Sherloc (09022015). Collection method: clinical testing. Allele origin: germline.
Comment: In summary, the available evidence is currently insufficient to determine the role of this variant in disease. Therefore, it has been classified as a Variant of Uncertain Significance. An algorithm developed to predict the effect of missense changes on protein structure and function (PolyPhen-2) suggests that this variant is likely to be disruptive. ClinVar contains an entry for this variant (Variation ID: 1003684). This variant has not been reported in the literature in individuals affected with TMEM127-related conditions. This variant is not present in population databases (gnomAD no frequency). This sequence change replaces leucine, which is neutral and non-polar, with proline, which is neutral and non-polar, at codon 112 of the TMEM127 protein (p.Leu112Pro).